The following is an entry in ClinVar:

ClinVar aggregate classification (germline): Uncertain significance. Review status: criteria provided, multiple submitters, no conflicts (2 of 4 stars). 2 submissions from 2 submitters: Uncertain significance (2). Last evaluated 2026-07-30.

Conditions:
Hereditary cancer-predisposing syndrome. Also called: Hereditary Cancer Syndrome; Hereditary neoplastic syndrome; Neoplastic Syndromes, Hereditary; Tumor predisposition. Identifiers: Orphanet 140162, MedGen C0027672, MeSH D009386, MONDO:0015356.

Allele frequency attached by ClinVar (database versions not stated): gnomAD exomes below 0.00001.
gnomAD v4.1: 1 of 1,614,104 alleles (0.000062%); highest among the groups gnomAD compares: African/African-American, 0.0013%; no homozygotes.

Submissions (2):

Ambry Genetics
Classification: Uncertain significance for Hereditary cancer-predisposing syndrome. Last evaluated: 2026-07-30. Review status: criteria provided, single submitter. Criteria: Ambry Variant Classification Scheme 2023. Collection method: clinical testing. Allele origin: germline.
Comment: The p.G606V variant (also known as c.1817G>T), located in coding exon 5 of the MET gene, results from a G to T substitution at nucleotide position 1817. The glycine at codon 606 is replaced by valine, an amino acid with dissimilar properties. This amino acid position is highly conserved in available vertebrate species. In addition, this alteration is predicted to be deleterious by in silico analysis. Based on the available evidence, the clinical significance of this variant remains unclear.

GeneDx
Classification: Uncertain significance. Last evaluated: 2024-11-03. Review status: criteria provided, single submitter. Criteria: GeneDx Variant Classification Process June 2021. Collection method: clinical testing. Allele origin: germline. Affected: yes.
Comment: Not observed at significant frequency in large population cohorts (gnomAD); In silico analysis supports that this missense variant has a deleterious effect on protein structure/function; Has not been previously published as pathogenic or benign to our knowledge

NM_000245.4(MET):c.1817G>T (p.Gly606Val)

Gene: MET (MET proto-oncogene, receptor tyrosine kinase; plus strand). Cytogenetic location: 7q31.2.
Variant type: single nucleotide variant.
Coding change: c.1817G>T on transcript NM_000245.4 (MANE Select); coding-DNA position 1817, G replaced by T.
Protein change: p.Gly606Val; replaces glycine 606 with valine.
Molecular consequence: missense variant.
Genome position (GRCh38, 1-based): chr7:116,755,470, G>T. VCF-style: chr7-116755470-G-T. GRCh37 (hg19) VCF-style: chr7-116395524-G-T.
Other names: c.1817G>T, p.Gly606Val (NM_001127500.3, NM_001324401.3); c.527G>T, p.Gly176Val (NM_001324402.2); short protein forms G176V, G606V.
Identifiers: ClinVar variation 1780694 (VCV001780694.4), dbSNP rs2116910408, ClinGen allele CA368978096.